The following is an entry in ClinVar:

ClinVar aggregate classification (germline): Likely benign (0 of 4 stars; one submission).

Conditions:
SLC4A5-related disorder. Also called: SLC4A5-related condition.

Allele frequency attached by ClinVar (database versions not stated): ExAC 0.00007; gnomAD 0.00009; TOPMed 0.00010; 1000 Genomes Project 30x 0.00016; gnomAD exomes 0.00017; 1000 Genomes Project 0.00020; ESP Exome Variant Server 0.00031.
gnomAD v4.1: 260 of 1,606,706 alleles (0.016%); highest among the groups gnomAD compares: Non-Finnish European, 0.021%; no homozygotes.

Submission:

PreventionGenetics, part of Exact Sciences
Classification: Likely benign for SLC4A5-related condition. Last evaluated: 2019-07-25. Review status: no assertion criteria provided. Collection method: clinical testing. Allele origin: germline.
Comment: This variant is classified as likely benign based on ACMG/AMP sequence variant interpretation guidelines (Richards et al. 2015 PMID: 25741868, with internal and published modifications).

NM_133478.3(SLC4A5):c.2092T>C (p.Leu698=)

Gene: SLC4A5 (solute carrier family 4 member 5; minus strand). Cytogenetic location: 2p13.1.
Variant type: single nucleotide variant.
Coding change: c.2092T>C on transcript NM_133478.3 (MANE Select); coding-DNA position 2092, T replaced by C.
Protein change: p.Leu698=; no amino-acid change (leucine 698 retained).
Molecular consequence: synonymous variant.
Genome position (GRCh38, 1-based): chr2:74,242,020, A>G on the plus strand (T>C on the coding strand, the complement: SLC4A5 is on the minus strand). VCF-style: chr2-74242020-A-G. GRCh37 (hg19) VCF-style: chr2-74469147-A-G.
Other names: c.1744T>C, p.Leu582= (NM_001386136.1); c.2092T>C, p.Leu698= (NM_021196.3).
Identifiers: ClinVar variation 3050446 (VCV003050446.2), dbSNP rs201932396, ClinGen allele CA1720593.
Genomic context (GRCh38, chr2:74,242,020, plus strand): 5'-ACTCAAATGTCTAACATAAGAGGAAAGGACTTACCAGAGAAGCGTTGGTGTCTGGTGCCA[A>G]TGGGGCTGAAGCATTGAACACGGTTGTATTCACTGTGGATGAGCACATGACACGGGGCAG-3'
Protein context (NP_597812.1, residues 688-708): NTTVFNASAP[Leu698=]APDTNASLYN